The following is an entry in ClinVar:

NM_000070.3(CAPN3):c.1542C>A (p.His514Gln)

Gene: CAPN3 (calpain 3; plus strand). Cytogenetic location: 15q15.1.
Variant type: single nucleotide variant.
Coding change: c.1542C>A on transcript NM_000070.3 (MANE Select); coding-DNA position 1542, C replaced by A.
Protein change: p.His514Gln; replaces histidine 514 with glutamine.
Molecular consequence: missense variant.
Genome position (GRCh38, 1-based): chr15:42,402,799, C>A. VCF-style: chr15-42402799-C-A. GRCh37 (hg19) VCF-style: chr15-42694997-C-A.
Other names: c.1542C>A, p.His514Gln (NM_024344.2); c.1398C>A, p.His466Gln (NM_173087.2); c.6C>A, p.His2Gln (NM_173088.2); short protein forms H466Q, H2Q, H514Q.
Identifiers: ClinVar variation 655517 (VCV000655517.9), dbSNP rs377215244, ClinGen allele CA392000082.

ClinVar aggregate classification (germline): Uncertain significance (1 of 4 stars; one submission).

Conditions:
Autosomal recessive limb-girdle muscular dystrophy type 2A (LGMDR1). Also called: Limb-girdle muscular dystrophy, type 2A; Calpainopathy; MUSCULAR DYSTROPHY, PELVOFEMORAL; LEYDEN-MOEBIUS MUSCULAR DYSTROPHY; Muscular dystrophy, limb-girdle, type 2A, Amish. Identifiers: Orphanet 267, MedGen C1869123, MONDO:0009675, OMIM 253600. Disease mechanism: loss of function.

Submission:

Labcorp Genetics (formerly Invitae), Labcorp
Classification: Uncertain significance for Autosomal recessive limb-girdle muscular dystrophy type 2A. Last evaluated: 2020-01-15. Review status: criteria provided, single submitter. Criteria: Invitae Variant Classification Sherloc (09022015). Collection method: clinical testing. Allele origin: germline.
Comment: In summary, the available evidence is currently insufficient to determine the role of this variant in disease. Therefore, it has been classified as a Variant of Uncertain Significance. This sequence change replaces histidine with glutamine at codon 514 of the CAPN3 protein (p.His514Gln). The histidine residue is highly conserved and there is a small physicochemical difference between histidine and glutamine. This variant is not present in population databases (ExAC no frequency). This variant has not been reported in the literature in individuals with CAPN3-related conditions. Algorithms developed to predict the effect of missense changes on protein structure and function (SIFT, PolyPhen-2, Align-GVGD) all suggest that this variant is likely to be tolerated, but these predictions have not been confirmed by published functional studies and their clinical significance is uncertain.